The following is an entry in ClinVar:

ClinVar aggregate classification (germline): Uncertain significance (1 of 4 stars; one submission).

Conditions:
Hermansky-Pudlak syndrome 2 (HPS2). Also called: Platelet defects and oculocutaneous albinism. Identifiers: Orphanet 183678, Orphanet 79430, MedGen C1842362, MONDO:0011997, OMIM 608233.

Submission:

Labcorp Genetics (formerly Invitae), Labcorp
Classification: Uncertain significance for Hermansky-Pudlak syndrome 2. Last evaluated: 2020-11-20. Review status: criteria provided, single submitter. Criteria: Invitae Variant Classification Sherloc (09022015). Collection method: clinical testing. Allele origin: germline.
Comment: This sequence change replaces glycine with aspartic acid at codon 263 of the AP3B1 protein (p.Gly263Asp). The glycine residue is weakly conserved and there is a moderate physicochemical difference between glycine and aspartic acid. This variant is not present in population databases (ExAC no frequency). This variant has not been reported in the literature in individuals with AP3B1-related conditions. Algorithms developed to predict the effect of missense changes on protein structure and function output the following: SIFT: "Tolerated"; PolyPhen-2: "Benign"; Align-GVGD: "Class C0". The aspartic acid amino acid residue is found in multiple mammalian species, suggesting that this missense change does not adversely affect protein function. These predictions have not been confirmed by published functional studies and their clinical significance is uncertain. In summary, the available evidence is currently insufficient to determine the role of this variant in disease. Therefore, it has been classified as a Variant of Uncertain Significance.

NM_003664.5(AP3B1):c.788G>A (p.Gly263Asp)

Gene: AP3B1 (adaptor related protein complex 3 subunit beta 1; minus strand). Cytogenetic location: 5q14.1.
Variant type: single nucleotide variant.
Coding change: c.788G>A on transcript NM_003664.5 (MANE Select); coding-DNA position 788, G replaced by A.
Protein change: p.Gly263Asp; replaces glycine 263 with aspartic acid.
Molecular consequence: missense variant.
Genome position (GRCh38, 1-based): chr5:78,181,661, C>T on the plus strand (G>A on the coding strand, the complement: AP3B1 is on the minus strand). VCF-style: chr5-78181661-C-T. GRCh37 (hg19) VCF-style: chr5-77477485-C-T.
Other names: c.641G>A, p.Gly214Asp (NM_001271769.2); short protein forms G214D, G263D.
Identifiers: ClinVar variation 1497831 (VCV001497831.8), dbSNP rs1744376789, ClinGen allele CA360190572.